The following is an entry in ClinVar:

ClinVar aggregate classification (germline): Uncertain significance (1 of 4 stars; one submission).

Conditions:
Dyskeratosis congenita. Identifiers: Orphanet 1775, MedGen C0265965, MONDO:0015780.

Submission:

Labcorp Genetics (formerly Invitae), Labcorp
Classification: Uncertain significance for Dyskeratosis congenita. Last evaluated: 2023-10-03. Review status: criteria provided, single submitter. Criteria: Invitae Variant Classification Sherloc (09022015). Collection method: clinical testing. Allele origin: germline.
Comment: This sequence change replaces cysteine, which is neutral and slightly polar, with serine, which is neutral and polar, at codon 1100 of the CTC1 protein (p.Cys1100Ser). This variant is not present in population databases (gnomAD no frequency). This variant has not been reported in the literature in individuals affected with CTC1-related conditions. ClinVar contains an entry for this variant (Variation ID: 1490940). Advanced modeling of protein sequence and biophysical properties (such as structural, functional, and spatial information, amino acid conservation, physicochemical variation, residue mobility, and thermodynamic stability) performed at Invitae indicates that this missense variant is not expected to disrupt CTC1 protein function. In summary, the available evidence is currently insufficient to determine the role of this variant in disease. Therefore, it has been classified as a Variant of Uncertain Significance.

NM_025099.6(CTC1):c.3299G>C (p.Cys1100Ser)

Gene: CTC1 (CST telomere replication complex component 1; minus strand). Cytogenetic location: 17p13.1.
Variant type: single nucleotide variant.
Coding change: c.3299G>C on transcript NM_025099.6 (MANE Select); coding-DNA position 3299, G replaced by C.
Protein change: p.Cys1100Ser; replaces cysteine 1100 with serine.
Molecular consequence: missense variant. On other transcripts: non-coding transcript variant (1).
Genome position (GRCh38, 1-based): chr17:8,228,815, C>G on the plus strand (G>C on the coding strand, the complement: CTC1 is on the minus strand). VCF-style: chr17-8228815-C-G. GRCh37 (hg19) VCF-style: chr17-8132133-C-G.
Other names: short protein forms C1100S.
Identifiers: ClinVar variation 1490940 (VCV001490940.8), dbSNP rs2151498826, ClinGen allele CA397969288.